The following is an entry in ClinVar:

ClinVar aggregate classification (germline): Uncertain significance. Review status: criteria provided, multiple submitters, no conflicts (2 of 4 stars). 2 submissions from 2 submitters: Uncertain significance (2). Last evaluated 2024-10-07.

Conditions:
Inborn genetic diseases. Identifiers: MedGen C0950123, MeSH D030342.

Allele frequency attached by ClinVar (database versions not stated): gnomAD exomes below 0.00001; gnomAD 0.00001; TOPMed 0.00001.

Submissions (2):

Ambry Genetics
Classification: Uncertain significance for Inborn genetic diseases. Last evaluated: 2024-10-07. Review status: criteria provided, single submitter. Criteria: Ambry Variant Classification Scheme 2023. Collection method: clinical testing. Allele origin: germline.

Labcorp Genetics (formerly Invitae), Labcorp
Classification: Uncertain significance. Last evaluated: 2023-07-31. Review status: criteria provided, single submitter. Criteria: Invitae Variant Classification Sherloc (09022015). Collection method: clinical testing. Allele origin: germline.
Comment: In summary, the available evidence is currently insufficient to determine the role of this variant in disease. Therefore, it has been classified as a Variant of Uncertain Significance. Advanced modeling of protein sequence and biophysical properties (such as structural, functional, and spatial information, amino acid conservation, physicochemical variation, residue mobility, and thermodynamic stability) has been performed at Invitae for this missense variant, however the output from this modeling did not meet the statistical confidence thresholds required to predict the impact of this variant on GJB3 protein function. This variant has not been reported in the literature in individuals affected with GJB3-related conditions. This variant is present in population databases (no rsID available, gnomAD 0.0009%). This sequence change replaces proline, which is neutral and non-polar, with leucine, which is neutral and non-polar, at codon 159 of the GJB3 protein (p.Pro159Leu).

NM_024009.3(GJB3):c.476C>T (p.Pro159Leu)

Gene: GJB3 (gap junction protein beta 3; plus strand). Cytogenetic location: 1p34.3.
Variant type: single nucleotide variant.
Coding change: c.476C>T on transcript NM_024009.3 (MANE Select); coding-DNA position 476, C replaced by T.
Protein change: p.Pro159Leu; replaces proline 159 with leucine.
Molecular consequence: missense variant.
Genome position (GRCh38, 1-based): chr1:34,785,238, C>T. VCF-style: chr1-34785238-C-T. GRCh37 (hg19) VCF-style: chr1-35250839-C-T.
Other names: c.476C>T (NM_024009.2); c.476C>T, p.Pro159Leu (NM_001005752.2); short protein forms P159L.
Identifiers: ClinVar variation 2975737 (VCV002975737.4), dbSNP rs961534236, ClinGen allele CA20571697.
Genomic context (GRCh38, chr1:34,785,238, plus strand): 5'-TCATCATTGAGTTCCTCTTCCTCTACCTGCTGCACACTCTCTGGCATGGCTTCAATATGC[C>T]GCGCCTGGTGCAGTGTGCCAACGTGGCCCCCTGCCCCAACATCGTGGACTGCTACATTGC-3'
Protein context (NP_076872.1, residues 149-169): LHTLWHGFNM[Pro159Leu]RLVQCANVAP